The following is an entry in ClinVar:

ClinVar aggregate classification (germline): Uncertain significance. Review status: criteria provided, multiple submitters, no conflicts (2 of 4 stars). 2 submissions from 2 submitters: Uncertain significance (2). Last evaluated 2019-05-21.

Conditions:
Spastic paraplegia. Identifiers: MedGen C0037772, HP:0001258.

Submissions (2):

Labcorp Genetics (formerly Invitae), Labcorp
Classification: Uncertain significance for Spastic paraplegia. Last evaluated: 2019-05-21. Review status: criteria provided, single submitter. Criteria: Invitae Variant Classification Sherloc (09022015). Collection method: clinical testing. Allele origin: germline.
Comment: This variant is not present in population databases (ExAC no frequency) and has not been reported in the literature in individuals with a AP4E1-related disease. In summary, this variant is a novel missense change with uncertain impact on protein function. It has been classified as a Variant of Uncertain Significance. Algorithms developed to predict the effect of missense changes on protein structure and function do not agree on the potential impact of this missense change (SIFT: "Deleterious"; PolyPhen-2: "Benign"; Align-GVGD: "Class C0"). This sequence change replaces glutamine with leucine at codon 493 of the AP4E1 protein (p.Gln493Leu). The glutamine residue is moderately conserved and there is a moderate physicochemical difference between glutamine and leucine.

Breakthrough Genomics
Classification: Uncertain significance. Review status: criteria provided, single submitter. Criteria: ACMG Guidelines, 2015. Collection method: not provided. Allele origin: germline. Inheritance: Autosomal recessive inheritance. Affected: yes.

NM_007347.5(AP4E1):c.1478A>T (p.Gln493Leu)

Gene: AP4E1 (adaptor related protein complex 4 subunit epsilon 1; plus strand). Cytogenetic location: 15q21.2.
Variant type: single nucleotide variant.
Coding change: c.1478A>T on transcript NM_007347.5 (MANE Select); coding-DNA position 1478, A replaced by T.
Protein change: p.Gln493Leu; replaces glutamine 493 with leucine.
Molecular consequence: missense variant.
Genome position (GRCh38, 1-based): chr15:50,950,099, A>T. VCF-style: chr15-50950099-A-T. GRCh37 (hg19) VCF-style: chr15-51242296-A-T.
Other names: c.1253A>T, p.Gln418Leu (NM_001252127.2); short protein forms Q493L, Q418L.
Identifiers: ClinVar variation 410724 (VCV000410724.12), dbSNP rs1060503026, ClinGen allele CA16614695.